The following is an entry in ClinVar:

NM_000629.3(IFNAR1):c.959A>C (p.Glu320Ala)

Gene: IFNAR1 (interferon alpha and beta receptor subunit 1; plus strand). Cytogenetic location: 21q22.11.
Variant type: single nucleotide variant.
Coding change: c.959A>C on transcript NM_000629.3 (MANE Select); coding-DNA position 959, A replaced by C.
Protein change: p.Glu320Ala; replaces glutamic acid 320 with alanine.
Molecular consequence: missense variant.
Genome position (GRCh38, 1-based): chr21:33,349,261, A>C. VCF-style: chr21-33349261-A-C. GRCh37 (hg19) VCF-style: chr21-34721567-A-C.
Other names: c.959A>C, p.Glu320Ala (NM_001384498.1, NM_001384499.1, NM_001384503.1); c.197A>C, p.Glu66Ala (NM_001384500.1); c.944A>C, p.Glu315Ala (NM_001384501.1); c.497A>C, p.Glu166Ala (NM_001384502.1); c.752A>C, p.Glu251Ala (NM_001384504.1); short protein forms E251A, E66A, E166A, E315A, E320A.
Identifiers: ClinVar variation 2694101 (VCV002694101.3), dbSNP rs2516880937, ClinGen allele CA410108571.

ClinVar aggregate classification (germline): Uncertain significance (1 of 4 stars; one submission).

Submission:

Labcorp Genetics (formerly Invitae), Labcorp
Classification: Uncertain significance. Last evaluated: 2023-11-10. Review status: criteria provided, single submitter. Criteria: Invitae Variant Classification Sherloc (09022015). Collection method: clinical testing. Allele origin: germline.
Comment: This sequence change replaces glutamic acid, which is acidic and polar, with alanine, which is neutral and non-polar, at codon 320 of the IFNAR1 protein (p.Glu320Ala). This variant is not present in population databases (gnomAD no frequency). This variant has not been reported in the literature in individuals affected with IFNAR1-related conditions. An algorithm developed to predict the effect of missense changes on protein structure and function (PolyPhen-2) suggests that this variant is likely to be tolerated. In summary, the available evidence is currently insufficient to determine the role of this variant in disease. Therefore, it has been classified as a Variant of Uncertain Significance.